The following is an entry in ClinVar:

NM_000059.4(BRCA2):c.3685del (p.Val1229fs)

Gene: BRCA2 (BRCA2 DNA repair associated; plus strand). Cytogenetic location: 13q13.1.
Variant type: Deletion.
Coding change: c.3685del on transcript NM_000059.4 (MANE Select); coding-DNA position 3685, one base deleted (G; older notation c.3685delG).
Protein change: p.Val1229fs; shifts the reading frame from valine 1229.
Molecular consequence: frameshift variant.
Genome position (GRCh38, 1-based): chr13:32,338,040, G deleted. VCF-style (leftmost placement, unchanged base first): chr13-32338039-TG-T. GRCh37 (hg19) VCF-style: chr13-32912176-TG-T.
Other names: 3913delG; c.3685delG (NM_000059.3); short protein forms V1229fs.
Identifiers: ClinVar variation 51506 (VCV000051506.13), dbSNP rs80359397, ClinGen allele CA018575.

ClinVar aggregate classification (germline): Pathogenic. Review status: reviewed by expert panel (3 of 4 stars). 3 submissions from 3 submitters: Pathogenic (1). 2 of the submissions do not count toward it. Last evaluated 2016-09-08.

Conditions:
Hereditary breast ovarian cancer syndrome. Also called: Hereditary breast and ovarian cancer syndrome; Hereditary breast and ovarian cancer; Hereditary breast and ovarian cancer syndrome (HBOC); Breast and ovarian cancer; Hereditary breast and/or ovarian cancer syndrome; BRCA1- and BRCA2-Associated Hereditary Breast and Ovarian Cancer. Identifiers: Orphanet 145, MedGen C0677776, MeSH D061325, MONDO:0003582. Disease mechanism: loss of function.
Breast-ovarian cancer, familial, susceptibility to, 2 (BROVCA2). Also called: BRCA2 Hereditary Breast and Ovarian Cancer. Identifiers: Orphanet 145, MedGen C2675520, MONDO:0012933, OMIM 612555. Disease mechanism: loss of function.

Submissions (3):

Evidence-based Network for the Interpretation of Germline Mutant Alleles (ENIGMA)
Classification: Pathogenic for Breast-ovarian cancer, familial, susceptibility to, 2. Last evaluated: 2016-09-08. Review status: reviewed by expert panel. Criteria: ENIGMA BRCA1/2 Classification Criteria (2015). Collection method: curation. Allele origin: germline.
Comment: Variant allele predicted to encode a truncated non-functional protein.

Labcorp Genetics (formerly Invitae), Labcorp
Classification: Pathogenic for Hereditary breast ovarian cancer syndrome. Last evaluated: 2025-10-01. Review status: criteria provided, single submitter. Criteria: Invitae Variant Classification Sherloc (09022015). Collection method: clinical testing. Allele origin: germline. Not counted in ClinVar's aggregate classification.
Comment: This sequence change creates a premature translational stop signal (p.Val1229Phefs*10) in the BRCA2 gene. It is expected to result in an absent or disrupted protein product. Loss-of-function variants in BRCA2 are known to be pathogenic (PMID: 20104584). This variant is not present in population databases (gnomAD no frequency). This premature translational stop signal has been observed in individual(s) with breast cancer (PMID: 12181777). This variant is also known as 3913delG. ClinVar contains an entry for this variant (Variation ID: 51506). For these reasons, this variant has been classified as Pathogenic.

Breast Cancer Information Core (BIC) (BRCA2)
Classification: Pathogenic for Breast-ovarian cancer, familial 2. Last evaluated: 2002-05-29. Review status: no assertion criteria provided. Collection method: clinical testing. Allele origin: germline. Affected: yes. Observed: 1 variant allele. Not counted in ClinVar's aggregate classification.

Literature cited by the submitters: PubMed 20104584 (cited by Labcorp Genetics (formerly Invitae), Labcorp); PubMed 12181777 (cited by Labcorp Genetics (formerly Invitae), Labcorp).